The following is an entry in ClinVar:

NM_022124.6(CDH23):c.9561C>A (p.Tyr3187Ter)

Gene: CDH23 (cadherin related 23; plus strand). Cytogenetic location: 10q22.1.
Variant type: single nucleotide variant.
Coding change: c.9561C>A on transcript NM_022124.6 (MANE Select); coding-DNA position 9561, C replaced by A.
Protein change: p.Tyr3187Ter; replaces tyrosine 3187 with a stop codon.
Molecular consequence: nonsense.
Genome position (GRCh38, 1-based): chr10:71,812,818, C>A. VCF-style: chr10-71812818-C-A. GRCh37 (hg19) VCF-style: chr10-73572575-C-A.
Other names: c.2841C>A, p.Tyr947Ter (NM_001171933.1, NM_001171934.1); c.252C>A, p.Tyr84Ter (NM_001171935.1, NM_001171936.1); short protein forms Y3187*, Y84*, Y947*.
Identifiers: ClinVar variation 2028365 (VCV002028365.4), dbSNP rs1375225680, ClinGen allele CA377137035.

ClinVar aggregate classification (germline): Pathogenic (1 of 4 stars; one submission).

Allele frequency attached by ClinVar (database versions not stated): gnomAD 0.00001.
gnomAD v4.1: 1 of 1,613,474 alleles (0.000062%); highest among the groups gnomAD compares: South Asian, 0.0011%; no homozygotes.

Submission:

Labcorp Genetics (formerly Invitae), Labcorp
Classification: Pathogenic. Last evaluated: 2023-05-13. Review status: criteria provided, single submitter. Criteria: Invitae Variant Classification Sherloc (09022015). Collection method: clinical testing. Allele origin: germline.
Comment: This sequence change creates a premature translational stop signal (p.Tyr3187*) in the CDH23 gene. It is expected to result in an absent or disrupted protein product. Loss-of-function variants in CDH23 are known to be pathogenic (PMID: 11138009, 21940737). This variant is not present in population databases (gnomAD no frequency). This variant has not been reported in the literature in individuals affected with CDH23-related conditions. ClinVar contains an entry for this variant (Variation ID: 2028365). For these reasons, this variant has been classified as Pathogenic.

Literature cited by the submitters: PubMed 11138009; PubMed 21940737.